The following is an entry in ClinVar:

ClinVar aggregate classification (germline): Uncertain significance (1 of 4 stars; one submission).

Submission:

Labcorp Genetics (formerly Invitae), Labcorp
Classification: Uncertain significance. Last evaluated: 2022-09-01. Review status: criteria provided, single submitter. Criteria: Invitae Variant Classification Sherloc (09022015). Collection method: clinical testing. Allele origin: germline.
Comment: This sequence change replaces leucine, which is neutral and non-polar, with phenylalanine, which is neutral and non-polar, at codon 1744 of the ITPR1 protein (p.Leu1744Phe). This variant is not present in population databases (gnomAD no frequency). This variant has not been reported in the literature in individuals affected with ITPR1-related conditions. ClinVar contains an entry for this variant (Variation ID: 1434167). Algorithms developed to predict the effect of missense changes on protein structure and function are either unavailable or do not agree on the potential impact of this missense change (SIFT: "Deleterious"; PolyPhen-2: "Probably Damaging"; Align-GVGD: "Class C0"). In summary, the available evidence is currently insufficient to determine the role of this variant in disease. Therefore, it has been classified as a Variant of Uncertain Significance.

NM_001378452.1(ITPR1):c.5419C>T (p.Leu1807Phe)

Gene: ITPR1 (inositol 1,4,5-trisphosphate receptor type 1; plus strand). Cytogenetic location: 3p26.1.
Variant type: single nucleotide variant.
Coding change: c.5419C>T on transcript NM_001378452.1 (MANE Select); coding-DNA position 5419, C replaced by T.
Protein change: p.Leu1807Phe; replaces leucine 1807 with phenylalanine.
Molecular consequence: missense variant.
Genome position (GRCh38, 1-based): chr3:4,735,229, C>T. VCF-style: chr3-4735229-C-T. GRCh37 (hg19) VCF-style: chr3-4776913-C-T.
Other names: c.5275C>T, p.Leu1759Phe (NM_001099952.4); c.5374C>T, p.Leu1792Phe (NM_001168272.2); c.5230C>T, p.Leu1744Phe (NM_002222.7); short protein forms L1744F, L1807F, L1792F, L1759F.
Identifiers: ClinVar variation 1434167 (VCV001434167.6), dbSNP rs2125321242, ClinGen allele CA351639084.
Genomic context (GRCh38, chr3:4,735,229, plus strand): 5'-GGTTCCGGATCCAGCTCTATGAGCAGGGGTGAGATGAGTCTGGCCGAGGTTCAGTGTCAC[C>T]TTGACAAGGAGGGGGCTTCCAATCTAGTTATCGACCTCATCATGAACGCATCCAGTGACC-3'
Protein context (NP_001365381.1, residues 1797-1817): EMSLAEVQCH[Leu1807Phe]DKEGASNLVI